The following is an entry in ClinVar:

NM_006015.6(ARID1A):c.5076C>T (p.Asn1692=)

Gene: ARID1A (AT-rich interaction domain 1A; plus strand). Cytogenetic location: 1p36.11.
Variant type: single nucleotide variant.
Coding change: c.5076C>T on transcript NM_006015.6 (MANE Select); coding-DNA position 5076, C replaced by T.
Protein change: p.Asn1692=; no amino-acid change (asparagine 1692 retained).
Molecular consequence: synonymous variant.
Genome position (GRCh38, 1-based): chr1:26,775,659, C>T. VCF-style: chr1-26775659-C-T. GRCh37 (hg19) VCF-style: chr1-27102150-C-T.
Other names: c.4425C>T, p.Asn1475= (NM_139135.4); c.5076C>T (LRG_875t1).
Identifiers: ClinVar variation 434326 (VCV000434326.15), dbSNP rs149468118, ClinGen allele CA707590.
Genomic context (GRCh38, chr1:26,775,659, plus strand): 5'-AATGATGTCCCTCAAGTCTGGTCTCCTGGCAGAGAGCACATGGGCATTAGATACCATCAA[C>T]ATCCTGCTGTATGATGACAACAGCATCATGACCTTCAACCTCAGTCAGGTGAGTATCAGT-3'
Protein context (NP_006006.3, residues 1682-1702): AESTWALDTI[Asn1692=]ILLYDDNSIM

ClinVar aggregate classification (germline): Benign/Likely benign. Review status: criteria provided, multiple submitters, no conflicts (2 of 4 stars). 6 submissions from 6 submitters: Benign (4); Likely benign (1). 1 of the submissions does not count toward it. Last evaluated 2025-11-05.

Conditions:
Intellectual disability, autosomal dominant 14 (CSS2). Also called: COFFIN-SIRIS SYNDROME 2. Identifiers: Orphanet 1465, MedGen C3553247, MONDO:0013819, OMIM 614607.
ARID1A-related disorder. Also called: ARID1A-related condition.

Allele frequency attached by ClinVar (database versions not stated): gnomAD exomes 0.00008; ExAC 0.00011; gnomAD 0.00037 and 0.00038; ESP Exome Variant Server 0.00038; TOPMed 0.00040; 1000 Genomes Project 0.00060; 1000 Genomes Project 30x 0.00062.
gnomAD v4.1: 102 of 1,614,224 alleles (0.0063%); highest among the groups gnomAD compares: African/African-American, 0.12%; no homozygotes.

Submissions (6):

Labcorp Genetics (formerly Invitae), Labcorp
Classification: Benign. Last evaluated: 2025-11-05. Review status: criteria provided, single submitter. Criteria: Invitae Variant Classification Sherloc (09022015). Collection method: clinical testing. Allele origin: germline.

Blueprint Genetics
Classification: Likely benign. Last evaluated: 2024-11-13. Review status: criteria provided, single submitter. Criteria: ACMG Guidelines, 2015. Collection method: clinical testing. Allele origin: germline.

Genome-Nilou Lab
Classification: Benign for Intellectual disability, autosomal dominant 14. Last evaluated: 2021-12-05. Review status: criteria provided, single submitter. Criteria: ACMG Guidelines, 2015. Collection method: clinical testing. Allele origin: germline. Affected: no.

GeneDx
Classification: Benign. Last evaluated: 2021-01-19. Review status: criteria provided, single submitter. Criteria: GeneDx Variant Classification Process June 2021. Collection method: clinical testing. Allele origin: germline. Affected: yes.

Genetic Services Laboratory, University of Chicago
Classification: Benign. Last evaluated: 2017-05-26. Review status: criteria provided, single submitter. Criteria: ACMG Guidelines, 2015. Collection method: clinical testing. Allele origin: germline. Affected: no.

PreventionGenetics, part of Exact Sciences
Classification: Likely benign for ARID1A-related condition. Last evaluated: 2022-04-25. Review status: no assertion criteria provided. Collection method: clinical testing. Allele origin: germline. Not counted in ClinVar's aggregate classification.
Comment: This variant is classified as likely benign based on ACMG/AMP sequence variant interpretation guidelines (Richards et al. 2015 PMID: 25741868, with internal and published modifications).